The following is an entry in ClinVar:

ClinVar aggregate classification (germline): Uncertain significance (1 of 4 stars; one submission).

gnomAD v4.1: 1 of 1,613,494 alleles (0.000062%); highest among the groups gnomAD compares: Non-Finnish European, 0.000085%; no homozygotes.

Submission:

Labcorp Genetics (formerly Invitae), Labcorp
Classification: Uncertain significance. Last evaluated: 2024-04-03. Review status: criteria provided, single submitter. Criteria: Invitae Variant Classification Sherloc (09022015). Collection method: clinical testing. Allele origin: germline.
Comment: This sequence change replaces glutamine, which is neutral and polar, with arginine, which is basic and polar, at codon 505 of the ARID1A protein (p.Gln505Arg). This variant is not present in population databases (gnomAD no frequency). This variant has not been reported in the literature in individuals affected with ARID1A-related conditions. Advanced modeling of protein sequence and biophysical properties (such as structural, functional, and spatial information, amino acid conservation, physicochemical variation, residue mobility, and thermodynamic stability) performed at Invitae indicates that this missense variant is not expected to disrupt ARID1A protein function with a negative predictive value of 95%. In summary, the available evidence is currently insufficient to determine the role of this variant in disease. Therefore, it has been classified as a Variant of Uncertain Significance.

NM_006015.6(ARID1A):c.1514A>G (p.Gln505Arg)

Gene: ARID1A (AT-rich interaction domain 1A; plus strand). Cytogenetic location: 1p36.11.
Variant type: single nucleotide variant.
Coding change: c.1514A>G on transcript NM_006015.6 (MANE Select); coding-DNA position 1514, A replaced by G.
Protein change: p.Gln505Arg; replaces glutamine 505 with arginine.
Molecular consequence: missense variant.
Genome position (GRCh38, 1-based): chr1:26,731,315, A>G. VCF-style: chr1-26731315-A-G. GRCh37 (hg19) VCF-style: chr1-27057806-A-G.
Other names: c.1514A>G, p.Gln505Arg (NM_139135.4); short protein forms Q505R.
Identifiers: ClinVar variation 3633525 (VCV003633525.2).
Genomic context (GRCh38, chr1:26,731,315, plus strand): 5'-ACTCCCAGCAACCACCGTCCCAGACCCCTCATGCCCAACCTTCGTATCAGCAGCAGCCAC[A>G]GTCTCAACCACCACAGCTCCAGTCCTCTCAGCCTCCATACTCCCAGCAGCCATCCCAGCC-3'
Protein context (NP_006006.3, residues 495-515): HAQPSYQQQP[Gln505Arg]SQPPQLQSSQ